The following is an entry in ClinVar:

NM_001852.4(COL9A2):c.163C>T (p.Pro55Ser)

Gene: COL9A2 (collagen type IX alpha 2 chain; minus strand). Cytogenetic location: 1p34.2.
Variant type: single nucleotide variant.
Coding change: c.163C>T on transcript NM_001852.4 (MANE Select); coding-DNA position 163, C replaced by T.
Protein change: p.Pro55Ser; replaces proline 55 with serine.
Molecular consequence: missense variant.
Genome position (GRCh38, 1-based): chr1:40,314,375, G>A on the plus strand (C>T on the coding strand, the complement: COL9A2 is on the minus strand). VCF-style: chr1-40314375-G-A. GRCh37 (hg19) VCF-style: chr1-40780047-G-A.
Other names: short protein forms P55S.
Identifiers: ClinVar variation 1038662 (VCV001038662.8), dbSNP rs1226804300, ClinGen allele CA339858734.
Genomic context (GRCh38, chr1:40,314,375, plus strand): 5'-AGGAAGGGTCAAAGGCCAAAGAGGATAAAGCACTCACCGGAGGGCCAGCTTTTCCAGGGG[G>A]CCCATTGTCACCCTGCAAGATACAAGTTGGTGAGACAGCACACTACGGCTCACACTACCC-3'
Protein context (NP_001843.1, residues 45-65): GSDGIDGDNG[Pro55Ser]PGKAGPPGPK

ClinVar aggregate classification (germline): Uncertain significance (1 of 4 stars; one submission).

Allele frequency attached by ClinVar (database versions not stated): gnomAD exomes below 0.00001.

Submission:

Labcorp Genetics (formerly Invitae), Labcorp
Classification: Uncertain significance. Last evaluated: 2023-12-11. Review status: criteria provided, single submitter. Criteria: Invitae Variant Classification Sherloc (09022015). Collection method: clinical testing. Allele origin: germline.
Comment: This sequence change replaces proline, which is neutral and non-polar, with serine, which is neutral and polar, at codon 55 of the COL9A2 protein (p.Pro55Ser). This variant is not present in population databases (gnomAD no frequency). This variant has not been reported in the literature in individuals affected with COL9A2-related conditions. ClinVar contains an entry for this variant (Variation ID: 1038662). Advanced modeling of protein sequence and biophysical properties (such as structural, functional, and spatial information, amino acid conservation, physicochemical variation, residue mobility, and thermodynamic stability) performed at Invitae indicates that this missense variant is not expected to disrupt COL9A2 protein function with a negative predictive value of 95%. In summary, the available evidence is currently insufficient to determine the role of this variant in disease. Therefore, it has been classified as a Variant of Uncertain Significance.